The following is an entry in ClinVar:

ClinVar aggregate classification (germline): Uncertain significance (1 of 4 stars; one submission).

Conditions:
Autosomal recessive mendelian susceptibility to mycobacterial diseases due to complete RORgamma receptor deficiency. Also called: Immunodeficiency 42. Identifiers: Orphanet 477857, MedGen C5567647, MONDO:0014710, OMIM 616622.

Submission:

Labcorp Genetics (formerly Invitae), Labcorp
Classification: Uncertain significance for Autosomal recessive mendelian susceptibility to mycobacterial diseases due to complete RORgamma receptor deficiency. Last evaluated: 2021-05-25. Review status: criteria provided, single submitter. Criteria: Invitae Variant Classification Sherloc (09022015). Collection method: clinical testing. Allele origin: germline.
Comment: In summary, the available evidence is currently insufficient to determine the role of this variant in disease. Therefore, it has been classified as a Variant of Uncertain Significance. Algorithms developed to predict the effect of missense changes on protein structure and function (SIFT, PolyPhen-2, Align-GVGD) all suggest that this variant is likely to be disruptive, but these predictions have not been confirmed by published functional studies and their clinical significance is uncertain. This variant has not been reported in the literature in individuals with RORC-related conditions. This variant is not present in population databases (ExAC no frequency). This sequence change replaces isoleucine with threonine at codon 417 of the RORC protein (p.Ile417Thr). The isoleucine residue is weakly conserved and there is a moderate physicochemical difference between isoleucine and threonine.

NM_005060.4(RORC):c.1250T>C (p.Ile417Thr)

Gene: RORC (RAR related orphan receptor C; minus strand). Cytogenetic location: 1q21.3.
Variant type: single nucleotide variant.
Coding change: c.1250T>C on transcript NM_005060.4 (MANE Select); coding-DNA position 1250, T replaced by C.
Protein change: p.Ile417Thr; replaces isoleucine 417 with threonine.
Molecular consequence: missense variant.
Genome position (GRCh38, 1-based): chr1:151,812,982, A>G on the plus strand (T>C on the coding strand, the complement: RORC is on the minus strand). VCF-style: chr1-151812982-A-G. GRCh37 (hg19) VCF-style: chr1-151785458-A-G.
Other names: c.1187T>C, p.Ile396Thr (NM_001001523.2); short protein forms I417T, I396T.
Identifiers: ClinVar variation 1356237 (VCV001356237.8), dbSNP rs1039869799, ClinGen allele CA30493006.